The following is an entry in ClinVar:

NM_206933.4(USH2A):c.1152T>G (p.Tyr384Ter)

Gene: USH2A (usherin; minus strand). Cytogenetic location: 1q41.
Variant type: single nucleotide variant.
Coding change: c.1152T>G on transcript NM_206933.4 (MANE Select); coding-DNA position 1152, T replaced by G.
Protein change: p.Tyr384Ter; replaces tyrosine 384 with a stop codon.
Molecular consequence: nonsense.
Genome position (GRCh38, 1-based): chr1:216,324,344, A>C on the plus strand (T>G on the coding strand, the complement: USH2A is on the minus strand). VCF-style: chr1-216324344-A-C. GRCh37 (hg19) VCF-style: chr1-216497686-A-C.
Other names: c.1152T>G, p.Tyr384Ter (NM_007123.6); short protein forms Y384*.
Identifiers: ClinVar variation 1928160 (VCV001928160.5), dbSNP rs2527436730, ClinGen allele CA344912127.

ClinVar aggregate classification (germline): Pathogenic (1 of 4 stars; one submission).

Submission:

Labcorp Genetics (formerly Invitae), Labcorp
Classification: Pathogenic. Last evaluated: 2022-03-14. Review status: criteria provided, single submitter. Criteria: Invitae Variant Classification Sherloc (09022015). Collection method: clinical testing. Allele origin: germline.
Comment: For these reasons, this variant has been classified as Pathogenic. Algorithms developed to predict the effect of sequence changes on RNA splicing suggest that this variant may disrupt the consensus splice site. This premature translational stop signal has been observed in individual(s) with clinical features of USH2A-related conditions (PMID: 32037395). This variant is not present in population databases (gnomAD no frequency). This sequence change creates a premature translational stop signal (p.Tyr384*) in the USH2A gene. It is expected to result in an absent or disrupted protein product. Loss-of-function variants in USH2A are known to be pathogenic (PMID: 10729113, 10909849, 20507924, 25649381).

Literature cited by the submitters: PubMed 32037395; PubMed 10729113; PubMed 10909849; PubMed 20507924; PubMed 25649381.